The following is an entry in ClinVar:

NM_024649.5(BBS1):c.1295G>A (p.Arg432Gln)

Genes: BBS1 (Bardet-Biedl syndrome 1; plus strand), ZDHHC24 (zDHHC palmitoyltransferase 24; minus strand). Cytogenetic location: 11q13.2.
Variant type: single nucleotide variant.
Coding change: c.1295G>A on transcript NM_024649.5 (MANE Select); coding-DNA position 1295, G replaced by A.
Protein change: p.Arg432Gln; replaces arginine 432 with glutamine.
Molecular consequence: missense variant. On other transcripts: intron variant (1).
Genome position (GRCh38, 1-based): chr11:66,526,763, G>A. VCF-style: chr11-66526763-G-A. GRCh37 (hg19) VCF-style: chr11-66294234-G-A.
Other names: c.*21+173C>T (NM_001348571.2); short protein forms R432Q.
Identifiers: ClinVar variation 1390304 (VCV001390304.8), dbSNP rs138491266, ClinGen allele CA6123691.

ClinVar aggregate classification (germline): Uncertain significance. Review status: criteria provided, single submitter (1 of 4 stars). 2 submissions from 2 submitters: Uncertain significance (1). 1 of the submissions does not count toward it. Last evaluated 2024-09-06.

Conditions:
BBS1-related disorder. Also called: BBS1-related condition.
Bardet-Biedl syndrome (BBS). Identifiers: Orphanet 110, MedGen C0752166, MONDO:0015229.

Allele frequency attached by ClinVar (database versions not stated): gnomAD 0.00002 and 0.00003; gnomAD exomes 0.00001 and 0.00003; TOPMed 0.00002; ExAC 0.00003; ESP Exome Variant Server 0.00008.
gnomAD v4.1: 18 of 1,614,102 alleles (0.0011%); highest among the groups gnomAD compares: South Asian, 0.0033%; no homozygotes.

Submissions (2):

Labcorp Genetics (formerly Invitae), Labcorp
Classification: Uncertain significance for Bardet-Biedl syndrome. Last evaluated: 2024-09-06. Review status: criteria provided, single submitter. Criteria: Invitae Variant Classification Sherloc (09022015). Collection method: clinical testing. Allele origin: germline.
Comment: This sequence change replaces arginine, which is basic and polar, with glutamine, which is neutral and polar, at codon 432 of the BBS1 protein (p.Arg432Gln). This variant is present in population databases (rs138491266, gnomAD 0.006%). This variant has not been reported in the literature in individuals affected with BBS1-related conditions. ClinVar contains an entry for this variant (Variation ID: 1390304). Invitae Evidence Modeling of protein sequence and biophysical properties (such as structural, functional, and spatial information, amino acid conservation, physicochemical variation, residue mobility, and thermodynamic stability) indicates that this missense variant is not expected to disrupt BBS1 protein function with a negative predictive value of 80%. In summary, the available evidence is currently insufficient to determine the role of this variant in disease. Therefore, it has been classified as a Variant of Uncertain Significance.

PreventionGenetics, part of Exact Sciences
Classification: Uncertain significance for BBS1-related condition. Last evaluated: 2024-09-06. Review status: no assertion criteria provided. Collection method: clinical testing. Allele origin: germline. Not counted in ClinVar's aggregate classification.
Comment: The BBS1 c.1295G>A variant is predicted to result in the amino acid substitution p.Arg432Gln. To our knowledge, this variant has not been reported in the literature. This variant is reported in 0.0065% of alleles in individuals of South Asian descent in gnomAD. At this time, the clinical significance of this variant is uncertain due to the absence of conclusive functional and genetic evidence.